The following is an entry in ClinVar:

NM_001130438.3(SPTAN1):c.5253C>G (p.Phe1751Leu)

Gene: SPTAN1 (spectrin alpha, non-erythrocytic 1; plus strand). Cytogenetic location: 9q34.11.
Variant type: single nucleotide variant.
Coding change: c.5253C>G on transcript NM_001130438.3 (MANE Select); coding-DNA position 5253, C replaced by G.
Protein change: p.Phe1751Leu; replaces phenylalanine 1751 with leucine.
Molecular consequence: missense variant.
Genome position (GRCh38, 1-based): chr9:128,615,736, C>G. VCF-style: chr9-128615736-C-G. GRCh37 (hg19) VCF-style: chr9-131378015-C-G.
Other names: c.5178C>G, p.Phe1726Leu (NM_001195532.2); c.5253C>G, p.Phe1751Leu (NM_001363759.2, NM_001375310.1, NM_001375311.2 and 1 more transcripts); c.5193C>G, p.Phe1731Leu (NM_001363765.2, NM_001375314.2); c.5289C>G, p.Phe1763Leu (NM_001375312.2, NM_001375318.1); c.5238C>G, p.Phe1746Leu (NM_003127.4); short protein forms F1726L, F1731L, F1746L, F1751L, F1763L.
Identifiers: ClinVar variation 3343559 (VCV003343559.1).
Genomic context (GRCh38, chr9:128,615,736, plus strand): 5'-CAGCAGTGCCTTCGACACCTCCCAAGTAAAGGACAAGAGGGACACCATCAACGGGCGCTT[C>G]CAGAAGATCAAGAGCATGGCGGCCTCCCGGCGAGCCAAGCTGAATGAATCCCATCGCCTG-3'
Protein context (NP_001123910.1, residues 1741-1761): KDKRDTINGR[Phe1751Leu]QKIKSMAASR

ClinVar aggregate classification (germline): Uncertain significance (1 of 4 stars; one submission).

gnomAD v4.1: 17 of 1,614,218 alleles (0.0011%); highest among the groups gnomAD compares: Non-Finnish European, 0.0014%; no homozygotes.

Submission:

GeneDx
Classification: Uncertain significance. Last evaluated: 2023-12-10. Review status: criteria provided, single submitter. Criteria: GeneDx Variant Classification Process June 2021. Collection method: clinical testing. Allele origin: germline. Affected: yes.
Comment: In silico analysis supports that this missense variant has a deleterious effect on protein structure/function; Has not been previously published as pathogenic or benign to our knowledge